The following is an entry in ClinVar:

NM_003072.5(SMARCA4):c.2766G>A (p.Trp922Ter)

Gene: SMARCA4 (SWI/SNF related BAF chromatin remodeling complex subunit ATPase 4; plus strand). Cytogenetic location: 19p13.2.
Variant type: single nucleotide variant.
Coding change: c.2766G>A on transcript NM_003072.5 (MANE Select); coding-DNA position 2766, G replaced by A.
Protein change: p.Trp922Ter; replaces tryptophan 922 with a stop codon.
Molecular consequence: nonsense. On other transcripts: non-coding transcript variant (1).
Genome position (GRCh38, 1-based): chr19:11,021,874, G>A. VCF-style: chr19-11021874-G-A. GRCh37 (hg19) VCF-style: chr19-11132550-G-A.
Other names: c.2766G>A, p.Trp922Ter (NM_001128844.3, NM_001128845.2, NM_001128846.2 and 6 more transcripts); short protein forms W922*.
Identifiers: ClinVar variation 2770887 (VCV002770887.3), dbSNP rs2146420510, ClinGen allele CA404056429.

ClinVar aggregate classification (germline): Pathogenic (1 of 4 stars; one submission).

Conditions:
Rhabdoid tumor predisposition syndrome 2 (RTPS2). Identifiers: Orphanet 231108, Orphanet 69077, MedGen C2750074, MONDO:0013224, OMIM 613325.

Submission:

Labcorp Genetics (formerly Invitae), Labcorp
Classification: Pathogenic for Rhabdoid tumor predisposition syndrome 2. Last evaluated: 2023-10-22. Review status: criteria provided, single submitter. Criteria: Invitae Variant Classification Sherloc (09022015). Collection method: clinical testing. Allele origin: germline.
Comment: This sequence change creates a premature translational stop signal (p.Trp922*) in the SMARCA4 gene. It is expected to result in an absent or disrupted protein product. Loss-of-function variants in SMARCA4 are known to be pathogenic (PMID: 24658001, 24658002). This variant is not present in population databases (gnomAD no frequency). This variant has not been reported in the literature in individuals affected with SMARCA4-related conditions. For these reasons, this variant has been classified as Pathogenic.

Literature cited by the submitters: PubMed 24658001; PubMed 24658002.